The following is an entry in ClinVar:

ClinVar aggregate classification (germline): Uncertain significance (1 of 4 stars; one submission).

Submission:

Dasa
Classification: Uncertain significance. Last evaluated: 2025-05-13. Review status: criteria provided, single submitter. Criteria: DASA Assertion Criteria. Collection method: clinical testing. Allele origin: germline.
Comment: NM_001281740.3(FHOD3):c.958-7T>C is a splice-region variant. This variant is absent from population databases. Computational prediction algorithms are consistent with a benign effect. The currently available literature and clinical evidence are not sufficient to establish a definitive association between this variant and the reported condition. Therefore, this variant is classified as a variant of uncertain significance.

NM_001281740.3(FHOD3):c.958-7T>C

Gene: FHOD3 (formin homology 2 domain containing 3; plus strand). Cytogenetic location: 18q12.2.
Variant type: single nucleotide variant.
Coding change: c.958-7T>C on transcript NM_001281740.3 (MANE Select); 7 bases into the intron before coding-DNA position 958, T replaced by C.
Molecular consequence: intron variant.
Genome position (GRCh38, 1-based): chr18:36,625,504, T>C. VCF-style: chr18-36625504-T-C. GRCh37 (hg19) VCF-style: chr18-34205467-T-C.
Other names: c.958-7T>C (NM_025135.5, NM_001281739.3).
Identifiers: ClinVar variation 4886067 (VCV004886067.2).